The following is an entry in ClinVar:

NM_014989.7(RIMS1):c.3436C>T (p.Pro1146Ser)

Gene: RIMS1 (regulating synaptic membrane exocytosis 1; plus strand). Cytogenetic location: 6q13.
Variant type: single nucleotide variant.
Coding change: c.3436C>T on transcript NM_014989.7 (MANE Select); coding-DNA position 3436, C replaced by T.
Protein change: p.Pro1146Ser; replaces proline 1146 with serine.
Molecular consequence: missense variant. On other transcripts: intron variant (58).
Genome position (GRCh38, 1-based): chr6:72,274,386, C>T. VCF-style: chr6-72274386-C-T. GRCh37 (hg19) VCF-style: chr6-72984089-C-T.
Other names: c.1663C>T, p.Pro555Ser (NM_001350415.2, NM_001350445.2); c.1666C>T, p.Pro556Ser (NM_001350433.2); c.1600C>T, p.Pro534Ser (NM_001350435.2); c.1594C>T, p.Pro532Ser (NM_001350437.2); c.1559+8337C>T (NM_001350428.2, NM_001350459.2, NM_001350424.2 and 1 more transcripts); c.1556+8337C>T (NM_001350430.2, NM_001350421.2, NM_001350450.2); c.1706+8337C>T (NM_001350458.2); c.1628+8337C>T (NM_001350446.2, NM_001350442.2, NM_001350416.2 and 7 more transcripts); and 20 more; short protein forms P1146S, P555S, P532S, P556S, P534S.
Identifiers: ClinVar variation 3697487 (VCV003697487.2).

ClinVar aggregate classification (germline): Uncertain significance (1 of 4 stars; one submission).

gnomAD v4.1: 1 of 1,613,220 alleles (0.000062%); highest among the groups gnomAD compares: South Asian, 0.0011%; no homozygotes.

Submission:

Labcorp Genetics (formerly Invitae), Labcorp
Classification: Uncertain significance. Last evaluated: 2024-12-22. Review status: criteria provided, single submitter. Criteria: Invitae Variant Classification Sherloc (09022015). Collection method: clinical testing. Allele origin: germline.
Comment: This sequence change replaces proline, which is neutral and non-polar, with serine, which is neutral and polar, at codon 1146 of the RIMS1 protein (p.Pro1146Ser). This variant is present in population databases (no rsID available, gnomAD 0.003%). This variant has not been reported in the literature in individuals affected with RIMS1-related conditions. An algorithm developed to predict the effect of missense changes on protein structure and function (PolyPhen-2) suggests that this variant is likely to be tolerated. In summary, the available evidence is currently insufficient to determine the role of this variant in disease. Therefore, it has been classified as a Variant of Uncertain Significance.